The following is an entry in ClinVar:

NM_000501.4(ELN):c.1747+103C>T

Genes: ELN (elastin; plus strand), ELN-AS1 (ELN antisense RNA 1; minus strand). Cytogenetic location: 7q11.23.
Variant type: single nucleotide variant.
Coding change: c.1747+103C>T on transcript NM_000501.4 (MANE Select); 103 bases into the intron after coding-DNA position 1747, C replaced by T.
Molecular consequence: intron variant.
Genome position (GRCh38, 1-based): chr7:74,060,604, C>T. VCF-style: chr7-74060604-C-T. GRCh37 (hg19) VCF-style: chr7-73474934-C-T.
Other names: c.1762+103C>T (NM_001081754.3); c.1705+103C>T (NM_001081753.3); c.1933+4C>T (NM_001278939.2); c.1765+103C>T (NM_001278915.2); c.1747+103C>T (NM_001278912.2); c.1690+103C>T (NM_001081755.3); c.1603+103C>T (NM_001278916.2); c.1504+103C>T (NM_001278913.2); and 4 more.
Identifiers: ClinVar variation 4881321 (VCV004881321.2).
Genomic context (GRCh38, chr7:74,060,604, plus strand): 5'-GGGAAGGAGATCCCTCCTCCTCTCAGCACCTCCCCAGCACCCCCTCATCACCCAGGGGTG[C>T]ATAGTAAAATCCTTGTTAGGTTCTCCTAAGCATCTGGGGGTAACAGATAGCGGGAGGAGG-3'

ClinVar aggregate classification (germline): Uncertain significance (1 of 4 stars; one submission).

Submission:

Dasa
Classification: Uncertain significance. Last evaluated: 2025-10-01. Review status: criteria provided, single submitter. Criteria: DASA Assertion Criteria. Collection method: clinical testing. Allele origin: germline.
Comment: NM_001278939.2(ELN):c.1933+4C>T is a splice-region variant. This variant is absent from population databases. Computational prediction algorithms are consistent with a benign effect. The currently available literature and clinical evidence are not sufficient to establish a definitive association between this variant and the reported condition. Therefore, this variant is classified as a variant of uncertain significance.